The following is an entry in ClinVar:

NM_001130438.3(SPTAN1):c.2824T>G (p.Tyr942Asp)

Gene: SPTAN1 (spectrin alpha, non-erythrocytic 1; plus strand). Cytogenetic location: 9q34.11.
Variant type: single nucleotide variant.
Coding change: c.2824T>G on transcript NM_001130438.3 (MANE Select); coding-DNA position 2824, T replaced by G.
Protein change: p.Tyr942Asp; replaces tyrosine 942 with aspartic acid.
Molecular consequence: missense variant.
Genome position (GRCh38, 1-based): chr9:128,587,651, T>G. VCF-style: chr9-128587651-T-G. GRCh37 (hg19) VCF-style: chr9-131349930-T-G.
Other names: c.2824T>G, p.Tyr942Asp (NM_001195532.2, NM_001363759.2, NM_001363765.2 and 5 more transcripts); c.2860T>G, p.Tyr954Asp (NM_001375312.2, NM_001375318.1); short protein forms Y942D, Y954D.
Identifiers: ClinVar variation 3899713 (VCV003899713.1).
Genomic context (GRCh38, chr9:128,587,651, plus strand): 5'-TGGTTTTGGTTTCAGGCTCTACTGAAGAAACACGAAGCTTTGATGTCAGATCTCAGTGCC[T>G]ACGGCAGCAGCATCCAGGCTTTGCGAGAACAAGCACAGTCCTGCCGGGTAAACTTGTAAC-3'
Protein context (NP_001123910.1, residues 932-952): HEALMSDLSA[Tyr942Asp]GSSIQALREQ

ClinVar aggregate classification (germline): Uncertain significance (1 of 4 stars; one submission).

Submission:

GeneDx
Classification: Uncertain significance. Last evaluated: 2024-11-13. Review status: criteria provided, single submitter. Criteria: GeneDx Variant Classification Process June 2021. Collection method: clinical testing. Allele origin: germline. Affected: yes.
Comment: Not observed at significant frequency in large population cohorts (gnomAD); In silico analysis supports that this missense variant has a deleterious effect on protein structure/function; Has not been previously published as pathogenic or benign to our knowledge